The following is an entry in ClinVar:

NM_000152.5(GAA):c.2537C>A (p.Ala846Asp)

Gene: GAA (alpha glucosidase; plus strand). Cytogenetic location: 17q25.3.
Variant type: single nucleotide variant.
Coding change: c.2537C>A on transcript NM_000152.5 (MANE Select); coding-DNA position 2537, C replaced by A.
Protein change: p.Ala846Asp; replaces alanine 846 with aspartic acid.
Molecular consequence: missense variant.
Genome position (GRCh38, 1-based): chr17:80,118,248, C>A. VCF-style: chr17-80118248-C-A. GRCh37 (hg19) VCF-style: chr17-78092047-C-A.
Other names: c.2537C>A, p.Ala846Asp (NM_001079803.3, NM_001079804.3, NM_001406741.1 and 1 more transcripts); short protein forms A846D.
Identifiers: ClinVar variation 4876447 (VCV004876447.1).
Genomic context (GRCh38, chr17:80,118,248, plus strand): 5'-TCCAGGGCCCTGGCCTCACAACCACAGAGTCCCGCCAGCAGCCCATGGCCCTGGCTGTGG[C>A]CCTGACCAAGGGTGGGGAGGCCCGAGGGGAGCTGTTCTGGGACGATGGAGAGAGCCTGGA-3'
Protein context (NP_000143.2, residues 836-856): SRQQPMALAV[Ala846Asp]LTKGGEARGE

ClinVar aggregate classification (germline): Uncertain significance (1 of 4 stars; one submission).

Conditions:
Glycogen storage disease, type II (IOPD). Also called: Pompe Disease; CARDIOMEGALIA GLYCOGENICA DIFFUSA; GLYCOGENOSIS, GENERALIZED, CARDIAC FORM; GSD II; POMPE DISEASE, INFANTILE-ONSET; GLYCOGEN STORAGE DISEASE II, INFANTILE-ONSET. Identifiers: Orphanet 365, MedGen C0017921, MONDO:0009290, OMIM 232300.

gnomAD v4.1: 1 of 1,612,276 alleles (0.000062%); highest among the groups gnomAD compares: South Asian, 0.0011%; no homozygotes.

Submission:

Genomenon, Inc
Classification: Uncertain significance for Glycogen storage disease, type II. Last evaluated: 2026-07-01. Review status: criteria provided, single submitter. Criteria: Genomenon Sequence Variant Interpretation Standards - Updated. Collection method: curation. Allele origin: germline. Affected: yes.
Comment: GAA p.Ala846Asp (c.2537C>A) is a missense variant that changes the amino acid at codon 846 from Alanine to Aspartic acid. This variant has been observed in at least one proband with a GAA-related disorder (PMID:31606152). It is absent or not present at a significant frequency in gnomAD. In silico models predict that this variant is possibly or probably damaging. In conclusion, we classify GAA p.Ala846Asp (c.2537C>A) as a variant of uncertain significance.

Literature cited by the submitters: PubMed 31606152.